The following is an entry in ClinVar:

ClinVar aggregate classification (germline): Likely benign (0 of 4 stars; one submission).

Conditions:
ATG2B-related disorder. Also called: ATG2B-related condition.

Allele frequency attached by ClinVar (database versions not stated): ESP Exome Variant Server 0.00008; gnomAD 0.00013; gnomAD exomes 0.00014; TOPMed 0.00014; 1000 Genomes Project 0.00020; ExAC 0.00029; 1000 Genomes Project 30x 0.00031.
gnomAD v4.1: 221 of 1,613,272 alleles (0.014%); highest among the groups gnomAD compares: Middle Eastern, 0.2%; no homozygotes.

Submission:

PreventionGenetics, part of Exact Sciences
Classification: Likely benign for ATG2B-related condition. Last evaluated: 2019-04-02. Review status: no assertion criteria provided. Collection method: clinical testing. Allele origin: germline.
Comment: This variant is classified as likely benign based on ACMG/AMP sequence variant interpretation guidelines (Richards et al. 2015 PMID: 25741868, with internal and published modifications).

NM_018036.7(ATG2B):c.379T>C (p.Leu127=)

Gene: ATG2B (autophagy related 2B; minus strand). Cytogenetic location: 14q32.2.
Variant type: single nucleotide variant.
Coding change: c.379T>C on transcript NM_018036.7 (MANE Select); coding-DNA position 379, T replaced by C.
Protein change: p.Leu127=; no amino-acid change (leucine 127 retained).
Molecular consequence: synonymous variant.
Genome position (GRCh38, 1-based): chr14:96,345,332, A>G on the plus strand (T>C on the coding strand, the complement: ATG2B is on the minus strand). VCF-style: chr14-96345332-A-G. GRCh37 (hg19) VCF-style: chr14-96811669-A-G.
Identifiers: ClinVar variation 3046468 (VCV003046468.2), dbSNP rs368533260, ClinGen allele CA7337051.